The following is an entry in ClinVar:

NM_000051.4(ATM):c.8167A>G (p.Arg2723Gly)

Genes: ATM (ATM serine/threonine kinase; plus strand), C11orf65 (chromosome 11 open reading frame 65; minus strand). Cytogenetic location: 11q22.3.
Variant type: single nucleotide variant.
Coding change: c.8167A>G on transcript NM_000051.4 (MANE Select); coding-DNA position 8167, A replaced by G.
Protein change: p.Arg2723Gly; replaces arginine 2723 with glycine.
Molecular consequence: missense variant. On other transcripts: intron variant (2).
Genome position (GRCh38, 1-based): chr11:108,335,860, A>G. VCF-style: chr11-108335860-A-G. GRCh37 (hg19) VCF-style: chr11-108206587-A-G.
Other names: c.8167A>G, p.Arg2723Gly (NM_001351834.2); c.641-26789T>C (NM_001330368.2); c.695-568T>C (NM_001351110.2); short protein forms R2723G.
Identifiers: ClinVar variation 2112642 (VCV002112642.4), dbSNP rs2136692418, ClinGen allele CA382562484.

ClinVar aggregate classification (germline): Uncertain significance (1 of 4 stars; one submission).

Conditions:
Ataxia-telangiectasia syndrome (AT). Also called: ATAXIA-TELANGIECTASIA, COMPLEMENTATION GROUP A; ATAXIA-TELANGIECTASIA, FRESNO VARIANT; Ataxia-telangiectasia; Ataxia-telangiectasia, complementation group E; LOUIS-BAR SYNDROME; Cerebello-oculocutaneous telangiectasia. Identifiers: Orphanet 100, MedGen C0004135, MONDO:0008840, OMIM 208900.

Submission:

Labcorp Genetics (formerly Invitae), Labcorp
Classification: Uncertain significance for Ataxia-telangiectasia syndrome. Last evaluated: 2022-03-15. Review status: criteria provided, single submitter. Criteria: Invitae Variant Classification Sherloc (09022015). Collection method: clinical testing. Allele origin: germline.
Comment: In summary, the available evidence is currently insufficient to determine the role of this variant in disease. Therefore, it has been classified as a Variant of Uncertain Significance. Advanced modeling of protein sequence and biophysical properties (such as structural, functional, and spatial information, amino acid conservation, physicochemical variation, residue mobility, and thermodynamic stability) performed at Invitae indicates that this missense variant is expected to disrupt ATM protein function. This variant has not been reported in the literature in individuals affected with ATM-related conditions. This variant is not present in population databases (gnomAD no frequency). This sequence change replaces arginine, which is basic and polar, with glycine, which is neutral and non-polar, at codon 2723 of the ATM protein (p.Arg2723Gly).